The following is an entry in ClinVar:

ClinVar aggregate classification (germline): Likely pathogenic (1 of 4 stars; one submission).

Conditions:
Patterned macular dystrophy 2. Identifiers: Orphanet 99001, MedGen C1837029, MONDO:0012162, OMIM 608970.

Submission:

Juno Genomics, Hangzhou Juno Genomics, Inc
Classification: Likely pathogenic for Patterned macular dystrophy 2. Review status: criteria provided, single submitter. Criteria: ACMG Guidelines, 2015. Collection method: clinical testing. Allele origin: germline.
Comment: Null variant in a gene where loss of function (LOF) is a known mechanism of disease.;Absent from controls (or at extremely low frequency if recessive) in Genome Aggregation Database.

NM_001903.5(CTNNA1):c.1598_1601delinsGGG (p.Lys533fs)

Gene: CTNNA1 (catenin alpha 1; plus strand). Cytogenetic location: 5q31.2.
Variant type: Indel.
Coding change: c.1598_1601delinsGGG on transcript NM_001903.5 (MANE Select); coding-DNA positions 1598 to 1601, AGGA replaced by GGG.
Protein change: p.Lys533fs; shifts the reading frame from lysine 533.
Molecular consequence: frameshift variant.
Genome position (GRCh38, 1-based): chr5:138,924,561-138,924,564, AGGA replaced by GGG. VCF-style: chr5-138924561-AGGA-GGG. GRCh37 (hg19) VCF-style: chr5-138260250-AGGA-GGG.
Other names: c.1598_1601delinsGGG, p.Lys533fs (NM_001290307.3, NM_001323982.2, NM_001323983.1 and 2 more transcripts); c.1289_1292delinsGGG, p.Lys430fs (NM_001290309.3); c.1229_1232delinsGGG, p.Lys410fs (NM_001290310.3); c.488_491delinsGGG, p.Lys163fs (NM_001290312.1, NM_001323987.1, NM_001323988.1 and 17 more transcripts); c.1505_1508delinsGGG, p.Lys502fs (NM_001323986.2); c.149_152delinsGGG, p.Lys50fs (NM_001324006.1, NM_001324007.1, NM_001324008.1 and 2 more transcripts); c.395_398delinsGGG, p.Lys132fs (NM_001324011.1); c.245_248delinsGGG, p.Lys82fs (NM_001324012.1, NM_001324013.1); short protein forms K430fs, K50fs, K533fs, K82fs, K132fs, K163fs, K410fs, K502fs.
Identifiers: ClinVar variation 5006842 (VCV005006842.2).